The following is an entry in ClinVar:

NM_007294.4(BRCA1):c.210A>G (p.Lys70=)

Gene: BRCA1 (BRCA1 DNA repair associated; minus strand). Cytogenetic location: 17q21.31.
Variant type: single nucleotide variant.
Coding change: c.210A>G on transcript NM_007294.4 (MANE Select); coding-DNA position 210, A replaced by G.
Protein change: p.Lys70=; no amino-acid change (lysine 70 retained).
Molecular consequence: synonymous variant. On other transcripts: intron variant (95).
Genome position (GRCh38, 1-based): chr17:43,106,458, T>C on the plus strand (A>G on the coding strand, the complement: BRCA1 is on the minus strand). VCF-style: chr17-43106458-T-C. GRCh37 (hg19) VCF-style: chr17-41258475-T-C.
Other names: c.210A>G, p.Lys70= (NM_001407581.1, NM_001407582.1, NM_001407583.1 and 168 more transcripts); c.69A>G, p.Lys23= (NM_001407692.1, NM_001407694.1, NM_001407695.1 and 99 more transcripts); c.-218-11598A>G (NM_001407967.1, NM_001407966.1); c.-169-1502A>G (NM_001407959.1, NM_001407962.1, NM_001408512.1 and 4 more transcripts); c.2+20A>G (NM_001407885.1, NM_001407886.1, NM_001407898.1 and 58 more transcripts); c.81-1502A>G (NM_001408451.1); c.135-1502A>G (NM_001408475.1, NM_001407875.1, NM_001407659.1 and 21 more transcripts).
Identifiers: ClinVar variation 867337 (VCV000867337.3), dbSNP rs2054769885, ClinGen allele CA500128075.
Genomic context (GRCh38, chr17:43,106,458, plus strand): 5'-TTTCTACTTTTTCCTACTGTGGTTGCTTCCAACCTAGCATCATTACCAAATTATATACCT[T>C]TTGGTTATATCATTCTTACATAAAGGACACTGTGAAGGCCCTTTCTTCTGGTTGAGAAGT-3'
Protein context (NP_009225.1, residues 60-80): QCPLCKNDIT[Lys70=]RSLQESTRFS

Conditions:
Breast-ovarian cancer, familial, susceptibility to, 1 (BROVCA1). Also called: BRCA1 Hereditary Breast and Ovarian Cancer; OVARIAN CANCER, SUSCEPTIBILITY TO. Identifiers: Orphanet 145, MedGen C2676676, MONDO:0011450, OMIM 604370. Disease mechanism: loss of function.

Submission:

Brotman Baty Institute, University of Washington
No classification provided (evidence only). Condition: Breast-ovarian cancer, familial 1. Review status: no classification provided. Collection method: in vitro. Allele origin: not applicable. Functional consequence: functionally_normal.
ClinVar note: "not provided" was previously submitted as the classification for the variant. However, the classification appeared to be based only on an observation of functional data so it was converted to no classification on 2025-07-30.